The following is an entry in ClinVar:

NM_003982.4(SLC7A7):c.123_124del (p.Asn41fs)

Gene: SLC7A7 (solute carrier family 7 member 7; minus strand). Cytogenetic location: 14q11.2.
Variant type: Deletion.
Coding change: c.123_124del on transcript NM_003982.4 (MANE Select); coding-DNA positions 123 to 124, 2 bases deleted (CG; older notation c.123_124delCG).
Protein change: p.Asn41fs; shifts the reading frame from asparagine 41.
Molecular consequence: frameshift variant.
Genome position (GRCh38, 1-based): chr14:22,813,275-22,813,276, CG deleted on the plus strand (CG on the coding strand, the reverse complement: SLC7A7 is on the minus strand). VCF-style (leftmost placement, unchanged base first): chr14-22813274-CCG-C. GRCh37 (hg19) VCF-style: chr14-23282483-CCG-C.
Other names: c.123_124del, p.Asn41fs (NM_001126105.3, NM_001126106.4); c.123_124delCG, p.Asn41Lysfs (NM_001126106.2); short protein forms N41fs.
Identifiers: ClinVar variation 4814589 (VCV004814589.1).

ClinVar aggregate classification (germline): Likely pathogenic (1 of 4 stars; one submission).

Conditions:
Lysinuric protein intolerance (LPI). Identifiers: Orphanet 470, MedGen C0268647, MONDO:0009109, OMIM 222700.

Submission:

Natera, Inc.
Classification: Likely pathogenic for Lysinuric protein intolerance. Last evaluated: 2024-10-28. Review status: criteria provided, single submitter. Criteria: Natera Variant Classification Schema (03/2026). Collection method: clinical testing. Allele origin: germline.
Comment: The c.123_124del variant in SLC7A7 is a frameshift variant predicted to shift the reading frame beginning at codon 41 and leads to a stop codon 57 codons downstream. This variant is expected to result in nonsense mediated decay, truncation, or a dysfunctional protein product. This variant is rare in the general population with a frequency below the threshold expected for the associated phenotype(s). Given the available evidence, this variant is classified as Likely Pathogenic.